The following is an entry in ClinVar:

NM_198578.4(LRRK2):c.236A>C (p.Gln79Pro)

Gene: LRRK2 (leucine rich repeat kinase 2; plus strand). Cytogenetic location: 12q12.
Variant type: single nucleotide variant.
Coding change: c.236A>C on transcript NM_198578.4 (MANE Select); coding-DNA position 236, A replaced by C.
Protein change: p.Gln79Pro; replaces glutamine 79 with proline.
Molecular consequence: missense variant.
Genome position (GRCh38, 1-based): chr12:40,225,639, A>C. VCF-style: chr12-40225639-A-C. GRCh37 (hg19) VCF-style: chr12-40619441-A-C.
Other names: short protein forms Q79P.
Identifiers: ClinVar variation 3540517 (VCV003540517.1).

ClinVar aggregate classification (germline): Uncertain significance (1 of 4 stars; one submission).

Conditions:
Inborn genetic diseases. Identifiers: MedGen C0950123, MeSH D030342.

gnomAD v4.1: 6 of 1,611,694 alleles (0.00037%); highest among the groups gnomAD compares: Non-Finnish European, 0.00051%; no homozygotes.

Submission:

Ambry Genetics
Classification: Uncertain significance for Inborn genetic diseases. Last evaluated: 2024-07-07. Review status: criteria provided, single submitter. Criteria: Ambry Variant Classification Scheme 2023. Collection method: clinical testing. Allele origin: germline.
Comment: The p.Q79P variant (also known as c.236A>C), located in coding exon 2 of the LRRK2 gene, results from an A to C substitution at nucleotide position 236. The glutamine at codon 79 is replaced by proline, an amino acid with similar properties. This amino acid position is conserved. In addition, the in silico prediction for this alteration is inconclusive. Based on the available evidence, the clinical significance of this variant remains unclear.